The following is an entry in ClinVar:

ClinVar aggregate classification (germline): Uncertain significance (1 of 4 stars; one submission).

Conditions:
Neurofibromatosis, type 2 (SWNV). Also called: SCHWANNOMATOSIS, VESTIBULAR; NF2-Related Schwannomatosis; BILATERAL ACOUSTIC NEUROFIBROMATOSIS. Identifiers: Orphanet 637, MedGen C0027832, MONDO:0007039, OMIM 101000. Disease mechanism: loss of function.

gnomAD v4.1: 1 of 1,613,894 alleles (0.000062%); no homozygotes.

Submission:

Labcorp Genetics (formerly Invitae), Labcorp
Classification: Uncertain significance for Neurofibromatosis, type 2. Last evaluated: 2022-03-04. Review status: criteria provided, single submitter. Criteria: Invitae Variant Classification Sherloc (09022015). Collection method: clinical testing. Allele origin: germline.
Comment: This variant has not been reported in the literature in individuals affected with NF2-related conditions. This variant is not present in population databases (gnomAD no frequency). This sequence change falls in intron 2 of the NF2 gene. It does not directly change the encoded amino acid sequence of the NF2 protein. Algorithms developed to predict the effect of sequence changes on RNA splicing suggest that this variant may disrupt the consensus splice site. In summary, the available evidence is currently insufficient to determine the role of this variant in disease. Therefore, it has been classified as a Variant of Uncertain Significance.

NM_000268.4(NF2):c.240+20A>T

Gene: NF2 (NF2, moesin-ezrin-radixin like (MERLIN) tumor suppressor; plus strand). Cytogenetic location: 22q12.2.
Variant type: single nucleotide variant.
Coding change: c.240+20A>T on transcript NM_000268.4 (MANE Select); 20 bases into the intron after coding-DNA position 240, A replaced by T.
Molecular consequence: intron variant. On other transcripts: nonsense (1).
Genome position (GRCh38, 1-based): chr22:29,636,896, A>T. VCF-style: chr22-29636896-A-T. GRCh37 (hg19) VCF-style: chr22-30032885-A-T.
Other names: c.240+20A>T (NM_181829.3, NM_181825.3, NM_016418.5 and 2 more transcripts); c.115-2194A>T (NM_181828.3); c.115-5306A>T (NM_181830.3, NM_181831.3); c.4A>T, p.Lys2Ter (NM_001407067.1); short protein forms K2*.
Identifiers: ClinVar variation 1941250 (VCV001941250.5), dbSNP rs2518416387, ClinGen allele CA2580099492.